The following is an entry in ClinVar:

ClinVar aggregate classification (germline): Uncertain significance (1 of 4 stars; one submission).

Submission:

Labcorp Genetics (formerly Invitae), Labcorp
Classification: Uncertain significance. Last evaluated: 2023-10-13. Review status: criteria provided, single submitter. Criteria: Invitae Variant Classification Sherloc (09022015). Collection method: clinical testing. Allele origin: germline.
Comment: This sequence change creates a premature translational stop signal (p.Pro3545Hisfs*16) in the HMCN1 gene. It is expected to result in an absent or disrupted protein product. However, the current clinical and genetic evidence is not sufficient to establish whether loss-of-function variants in HMCN1 cause disease. This variant is not present in population databases (gnomAD no frequency). This variant has not been reported in the literature in individuals affected with HMCN1-related conditions. ClinVar contains an entry for this variant (Variation ID: 1471234). In summary, the available evidence is currently insufficient to determine the role of this variant in disease. Therefore, it has been classified as a Variant of Uncertain Significance.

NM_031935.3(HMCN1):c.10634del (p.Pro3545fs)

Gene: HMCN1 (hemicentin 1; plus strand). Cytogenetic location: 1q31.1.
Variant type: Deletion.
Coding change: c.10634del on transcript NM_031935.3 (MANE Select); coding-DNA position 10634, one base deleted (C; older notation c.10634delC).
Protein change: p.Pro3545fs; shifts the reading frame from proline 3545.
Molecular consequence: frameshift variant.
Genome position (GRCh38, 1-based): chr1:186,103,532, C deleted; the last of 3 consecutive C bases (chr1:186,103,530-186,103,532); deleting any one gives the same sequence. VCF-style (leftmost placement, unchanged base first): chr1-186103529-AC-A. GRCh37 (hg19) VCF-style: chr1-186072661-AC-A.
Other names: short protein forms P3545fs.
Identifiers: ClinVar variation 1471234 (VCV001471234.6), dbSNP rs2102444389, ClinGen allele CA2573131339.
Genomic context (GRCh38, chr1:186,103,529, plus strand): 5'-TAGAACCACCTCACATTAATGGATCTGAAGAACATGAAGAGATATCAGTAATTGTTAATA[AC>A]CCACTTGAACTTACCTGCATTGCTTCTGGAATCCCAGCCCCTAAAATGACCTGGATGAAA-3'